The following is an entry in ClinVar:

NM_000548.5(TSC2):c.328C>T (p.Gln110Ter)

Gene: TSC2 (TSC complex subunit 2; plus strand). Cytogenetic location: 16p13.3.
Variant type: single nucleotide variant.
Coding change: c.328C>T on transcript NM_000548.5 (MANE Select); coding-DNA position 328, C replaced by T.
Protein change: p.Gln110Ter; replaces glutamine 110 with a stop codon.
Molecular consequence: nonsense. On other transcripts: intron variant (2).
Genome position (GRCh38, 1-based): chr16:2,053,444, C>T. VCF-style: chr16-2053444-C-T. GRCh37 (hg19) VCF-style: chr16-2103445-C-T.
Other names: c.328C>T, p.Gln110Ter (NM_001077183.3, NM_001114382.3, NM_001363528.2 and 3 more transcripts); c.181C>T, p.Gln61Ter (NM_001318829.2); c.361C>T, p.Gln121Ter (NM_001318832.2); c.226-852C>T (NM_001318827.2); c.-1-2752C>T (NM_001318831.2); short protein forms Q110*, Q121*, Q61*.
Identifiers: ClinVar variation 423588 (VCV000423588.7), dbSNP rs1064796511, ClinGen allele CA16620085.
Genomic context (GRCh38, chr16:2,053,444, plus strand): 5'-CAGCCGGAGCGGCCGCTGGAGGCCCGGCACGCGGTGCTGGCTCTGCTGAAGGCCATCGTG[C>T]AGGGGCAGGTAAGGCCCAGGGCGACGCTGGGATGGGTGACGTCAGGCTGCCCACTGACTG-3'

ClinVar aggregate classification (germline): Pathogenic. Review status: criteria provided, multiple submitters, no conflicts (2 of 4 stars). 3 submissions from 3 submitters: Pathogenic (3). Last evaluated 2022-02-01.

Conditions:
Hereditary cancer-predisposing syndrome. Also called: Hereditary neoplastic syndrome; Hereditary Cancer Syndrome; Neoplastic Syndromes, Hereditary; Tumor predisposition. Identifiers: Orphanet 140162, MedGen C0027672, MeSH D009386, MONDO:0015356.
Tuberous sclerosis 2 (TSC2). Identifiers: Orphanet 805, MedGen C1860707, MONDO:0013199, OMIM 613254.

Submissions (3):

GeneDx
Classification: Pathogenic. Last evaluated: 2022-02-01. Review status: criteria provided, single submitter. Criteria: GeneDx Variant Classification Process June 2021. Collection method: clinical testing. Allele origin: germline. Affected: yes.
Comment: Nonsense variant predicted to result in protein truncation or nonsense mediated decay in a gene for which loss-of-function is a known mechanism of disease; Not observed at significant frequency in large population cohorts (gnomAD); This variant is associated with the following publications: (PMID: 30182498)

Ambry Genetics
Classification: Pathogenic for Hereditary cancer-predisposing syndrome. Last evaluated: 2017-03-29. Review status: criteria provided, single submitter. Criteria: Ambry Variant Classification Scheme 2023. Collection method: clinical testing. Allele origin: germline.
Comment: The p.Q110* pathogenic mutation (also known as c.328C>T), located in coding exon 3 of the TSC2 gene, results from a C to T substitution at nucleotide position 328. This changes the amino acid from a glutamine to a stop codon within coding exon 3. This alteration is expected to result in loss of function by premature protein truncation or nonsense-mediated mRNA decay. As such, this alteration is interpreted as a disease-causing mutation.

Neuberg Centre For Genomic Medicine, NCGM
Classification: Pathogenic for Tuberous sclerosis 2. Review status: criteria provided, single submitter. Criteria: ACMG Guidelines, 2015. Collection method: clinical testing. Allele origin: germline. Inheritance: Autosomal dominant inheritance. Affected: yes.
Comment: The stop gained variant c.328C>T(p.Gln110Ter) has been reported in literature (Miao P et.al.,2018). This variant has been reported to the ClinVar database as Pathogenic. The c.328C>T variant is novel (not in any individuals) in gnomAD Exomes and 1000 Genomes. The nucleotide change c.328C>T in TSC2 is predicted as conserved by GERP++ and PhyloP across 100 vertebrates. This variant is predicted to cause loss of normal protein function. Loss of function variants have been previously reported to be disease causing. For these reasons, this variant has been classified as Pathogenic.